The following is an entry in ClinVar:

NM_001368894.2(PAX6):c.724+2T>C

Gene: PAX6 (paired box 6; minus strand). Cytogenetic location: 11p13.
Variant type: single nucleotide variant.
Coding change: c.724+2T>C on transcript NM_001368894.2 (MANE Select); the canonical splice donor site of the intron after coding-DNA position 724, T replaced by C.
Molecular consequence: splice donor variant.
Genome position (GRCh38, 1-based): chr11:31,794,628, A>G on the plus strand (T>C on the coding strand, the complement: PAX6 is on the minus strand). VCF-style: chr11-31794628-A-G. GRCh37 (hg19) VCF-style: chr11-31816176-A-G.
Other names: c.682+2T>C (NM_001127612.3, NM_001368890.2, NM_001368888.2 and 10 more transcripts); c.523+2T>C (NM_001368921.2, NM_001368923.2, NM_001368926.2 and 4 more transcripts); c.724+2T>C (NM_001258462.3, NM_001310158.2, NM_001258463.2 and 6 more transcripts); c.799+2T>C (NM_001368919.2, NM_001368918.2); c.925+2T>C (NM_001368910.2); c.274+2T>C (NM_001368909.2, NM_001368904.2, NM_001368905.2 and 11 more transcripts); c.727+2T>C (NM_001368911.2); c.481+2T>C (NM_001368928.2); and 2 more.
Identifiers: ClinVar variation 3759151 (VCV003759151.2).

ClinVar aggregate classification (germline): Pathogenic (1 of 4 stars; one submission).

Conditions:
Aniridia 1 (AN1). Identifiers: Orphanet 250923, MedGen C0344542, MONDO:0024507, OMIM 106210.
Irido-corneo-trabecular dysgenesis (ASGD5). Also called: ANTERIOR SEGMENT DYSGENESIS 5. Identifiers: Orphanet 708, MedGen C0344559, MONDO:0011414, OMIM 604229, HP:0000659.

Submission:

Labcorp Genetics (formerly Invitae), Labcorp
Classification: Pathogenic for Aniridia 1; Irido-corneo-trabecular dysgenesis. Last evaluated: 2024-10-20. Review status: criteria provided, single submitter. Criteria: Invitae Variant Classification Sherloc (09022015). Collection method: clinical testing. Allele origin: germline.
Comment: This sequence change affects a donor splice site in intron 8 of the PAX6 gene. It is expected to disrupt RNA splicing. Variants that disrupt the donor or acceptor splice site typically lead to a loss of protein function (PMID: 16199547), and loss-of-function variants in PAX6 are known to be pathogenic (PMID: 12634864). This variant is not present in population databases (gnomAD no frequency). Disruption of this splice site has been observed in individual(s) with aniridia (PMID: 26849621). Algorithms developed to predict the effect of sequence changes on RNA splicing suggest that this variant may disrupt the consensus splice site. For these reasons, this variant has been classified as Pathogenic.

Literature cited by the submitters: PubMed 16199547; PubMed 12634864; PubMed 26849621.